The following is an entry in ClinVar:

ClinVar aggregate classification (germline): Likely pathogenic (1 of 4 stars; one submission).

Submission:

CeGaT Center for Human Genetics Tuebingen
Classification: Likely pathogenic. Last evaluated: 2022-06-01. Review status: criteria provided, single submitter. Criteria: CeGaT Center For Human Genetics Tuebingen Variant Classification Criteria Version 2. Collection method: clinical testing. Allele origin: germline. Affected: yes. Observed: 1 variant allele.
Comment: ZMYM2: PVS1, PM2:Supporting

NM_197968.4(ZMYM2):c.3515_3516del (p.Glu1172fs)

Gene: ZMYM2 (zinc finger MYM-type containing 2; plus strand). Cytogenetic location: 13q12.11.
Variant type: Deletion.
Coding change: c.3515_3516del on transcript NM_197968.4 (MANE Select); coding-DNA positions 3515 to 3516, 2 bases deleted (AG; older notation c.3515_3516delAG).
Protein change: p.Glu1172fs; shifts the reading frame from glutamic acid 1172.
Molecular consequence: frameshift variant. On other transcripts: non-coding transcript variant (1).
Genome position (GRCh38, 1-based): chr13:20,082,077-20,082,078, AG deleted; deleting any 2 consecutive bases within chr13:20,082,076-20,082,078 gives the same sequence; the c. name uses the placement nearest the transcript's 3' end. VCF-style (leftmost placement, unchanged base first): chr13-20082075-TGA-T. GRCh37 (hg19) VCF-style: chr13-20656215-TGA-T.
Other names: c.3515_3516del, p.Glu1172fs (NM_001190964.4, NM_001190965.4, NM_001353157.2 and 4 more transcripts); c.3320_3321del, p.Glu1107fs (NM_001353161.3); c.3254_3255del, p.Glu1085fs (NM_001353163.2); short protein forms E1085fs, E1107fs, E1172fs.
Identifiers: ClinVar variation 1694692 (VCV001694692.31), dbSNP rs2141041961, ClinGen allele CA2580086783.